The following is an entry in ClinVar:

NM_000384.3(APOB):c.3126G>A (p.Ala1042=)

Gene: APOB (apolipoprotein B; minus strand). Cytogenetic location: 2p24.1.
Variant type: single nucleotide variant.
Coding change: c.3126G>A on transcript NM_000384.3 (MANE Select); coding-DNA position 3126, G replaced by A.
Protein change: p.Ala1042=; no amino-acid change (alanine 1042 retained).
Molecular consequence: synonymous variant.
Genome position (GRCh38, 1-based): chr2:21,016,645, C>T on the plus strand (G>A on the coding strand, the complement: APOB is on the minus strand). VCF-style: chr2-21016645-C-T. GRCh37 (hg19) VCF-style: chr2-21239517-C-T.
Other names: p.Ala1042=.
Identifiers: ClinVar variation 682436 (VCV000682436.22), dbSNP rs547789079, ClinGen allele CA058111.
Genomic context (GRCh38, chr2:21,016,645, plus strand): 5'-ACTGGACAAGGTCATACTCTGCCGATTATATTTGAATGTCATGGTAGCCTCAGTCTGCTT[C>T]GCACCTGGACGAGTGTATAAGAGAATCAAGAGATGTGTGGTAAGAAGCTATGTTTTGGGC-3'
Protein context (NP_000375.3, residues 1032-1052): TLKFVTQAEG[Ala1042=]KQTEATMTFK

ClinVar aggregate classification (germline): Likely benign. Review status: criteria provided, multiple submitters, no conflicts (2 of 4 stars). 5 submissions from 5 submitters: Likely benign (5). Last evaluated 2026-01-08.

Conditions:
Familial hypercholesterolemia. Also called: Familial hypercholesterolemias; Familial hypercholesterolaemia. Identifiers: MedGen C0020445, MONDO:0005439.
Cardiovascular phenotype. Identifiers: MedGen CN230736.
Familial hypobetalipoproteinemia 1. Also called: APOB-Related Familial Hypobetalipoproteinemia; Hypobetalipoproteinemia, normotriglyceridemic; Acanthocytosis with hypobetalipoproteinemia. Identifiers: MedGen C4551990, MONDO:0014252, OMIM 615558.
Hypercholesterolemia, autosomal dominant, type B (FHCL2). Also called: Familial Hypercholesterolemia Type B; Hyperlipoproteinemia Type IIb; Familial hypercholesterolemia 2; APOLIPOPROTEIN B-100, FAMILIAL DEFECTIVE; APOLIPOPROTEIN B-100, FAMILIAL LIGAND-DEFECTIVE; APOB-Related Familial Hypercholesterolemia, Autosomal Dominant. Identifiers: MedGen C1704417, MONDO:0007751, OMIM 144010.

Allele frequency attached by ClinVar (database versions not stated): gnomAD exomes 0.00003 and 0.00004; ExAC 0.00005; TOPMed 0.00005; gnomAD 0.00006; 1000 Genomes Project 30x 0.00016; 1000 Genomes Project 0.00020.

Submissions (5):

GENinCode PLC
Classification: Likely benign for Familial hypercholesterolemia. Last evaluated: 2026-01-08. Review status: criteria provided, single submitter. Criteria: ACMG Guidelines, 2015. Collection method: clinical testing. Allele origin: germline.
Comment: This is a synonymous (silent) variant that is not predicted to impact splicing and occurs at a nucleotide which is not highly conserved. This variant has been classified as Likely Benign (BP4, BP7).

Labcorp Genetics (formerly Invitae), Labcorp
Classification: Likely benign for Familial hypobetalipoproteinemia 1; Hypercholesterolemia, autosomal dominant, type B. Last evaluated: 2025-08-10. Review status: criteria provided, single submitter. Criteria: Invitae Variant Classification Sherloc (09022015). Collection method: clinical testing. Allele origin: germline.

Mayo Clinic Laboratories, Mayo Clinic
Classification: Likely benign. Last evaluated: 2025-03-04. Review status: criteria provided, single submitter. Criteria: ACMG Guidelines, 2015. Collection method: clinical testing. Allele origin: germline. Observed: 1 variant allele.
Comment: BP4, BP7

Ambry Genetics
Classification: Likely benign for Cardiovascular phenotype. Last evaluated: 2023-12-22. Review status: criteria provided, single submitter. Criteria: Ambry Variant Classification Scheme 2023. Collection method: clinical testing. Allele origin: germline.

GeneDx
Classification: Likely benign. Last evaluated: 2018-04-25. Review status: criteria provided, single submitter. Criteria: GeneDx Variant Classification (06012015). Collection method: clinical testing. Allele origin: germline. Affected: yes.
Comment: This variant is considered likely benign or benign based on one or more of the following criteria: it is a conservative change, it occurs at a poorly conserved position in the protein, it is predicted to be benign by multiple in silico algorithms, and/or has population frequency not consistent with disease.